The following is an entry in ClinVar:

ClinVar aggregate classification (germline): Uncertain significance. Review status: criteria provided, single submitter (1 of 4 stars). 2 submissions from 2 submitters: Uncertain significance (1). 1 of the submissions does not count toward it. Last evaluated 2016-11-30.

Conditions:
Retinal dystrophy with or without macular staphyloma. Identifiers: Orphanet 653709, MedGen C4479651, MONDO:0060507, OMIM 617547.

gnomAD v4.1: 1 of 1,612,774 alleles (0.000062%); highest among the groups gnomAD compares: Non-Finnish European, 0.000085%; no homozygotes.

Submissions (2):

GeneDx
Classification: Uncertain significance. Last evaluated: 2016-11-30. Review status: criteria provided, single submitter. Criteria: GeneDx Variant Classification (06012015). Collection method: clinical testing. Allele origin: germline. Affected: yes.
Comment: The C61Y variant in the C21orf2 gene has been reported previously in homozygous state in an individual with early-onset retinal dystrophy and short stature (Khan et al., 2015). The C61Y variant was not observed in approximately 6500 individuals of European and African American ancestry in the NHLBI Exome Sequencing Project, indicating it is not a common benign variant in these populations. The C61Y variant is a non-conservative amino acid substitution, which is likely to impact secondary protein structure as these residues differ in polarity, charge, size and/or other properties. This substitution occurs at a position that is conserved across species. In silico analysis predicts this variant is probably damaging to the protein structure/function.We interpret C61Y as a variant of uncertain significance.

OMIM
Classification: Pathogenic for RETINAL DYSTROPHY WITH MACULAR STAPHYLOMA. Last evaluated: 2018-07-17. Review status: no assertion criteria provided. Collection method: literature only. Allele origin: germline. Not counted in ClinVar's aggregate classification.

Literature cited by the submitters: PubMed 26294103 (cited by OMIM).

NM_004928.3(CFAP410):c.182G>A (p.Cys61Tyr)

Gene: CFAP410 (cilia and flagella associated protein 410; minus strand). Cytogenetic location: 21q22.3.
Variant type: single nucleotide variant.
Coding change: c.182G>A on transcript NM_004928.3 (MANE Select); coding-DNA position 182, G replaced by A.
Protein change: p.Cys61Tyr; replaces cysteine 61 with tyrosine.
Molecular consequence: missense variant.
Genome position (GRCh38, 1-based): chr21:44,333,224, C>T on the plus strand (G>A on the coding strand, the complement: CFAP410 is on the minus strand). VCF-style: chr21-44333224-C-T. GRCh37 (hg19) VCF-style: chr21-45753107-C-T.
Other names: c.182G>A, p.Cys61Tyr (NM_001271440.2, NM_001271441.2); c.59G>A, p.Cys20Tyr (NM_001271442.1); short protein forms C61Y, C20Y.
Identifiers: ClinVar variation 373480 (VCV000373480.2), dbSNP rs1057518441, ClinGen allele CA16043125.